The following is an entry in ClinVar:

ClinVar aggregate classification (germline): Likely benign (1 of 4 stars; one submission).

Allele frequency attached by ClinVar (database versions not stated): gnomAD exomes below 0.00001.
gnomAD v4.1: 2 of 1,613,974 alleles (0.00012%); highest among the groups gnomAD compares: East Asian, 0.0045%; no homozygotes.

Submission:

GeneDx
Classification: Likely benign. Last evaluated: 2016-05-23. Review status: criteria provided, single submitter. Criteria: GeneDx Variant Classification (06012015). Collection method: clinical testing. Allele origin: germline. Affected: yes.
Comment: This variant is considered likely benign or benign based on one or more of the following criteria: it is a conservative change, it occurs at a poorly conserved position in the protein, it is predicted to be benign by multiple in silico algorithms, and/or has population frequency not consistent with disease.

NM_004320.6(ATP2A1):c.114C>T (p.Leu38=)

Gene: ATP2A1 (ATPase sarcoplasmic/endoplasmic reticulum Ca2+ transporting 1; plus strand). Cytogenetic location: 16p11.2.
Variant type: single nucleotide variant.
Coding change: c.114C>T on transcript NM_004320.6 (MANE Select); coding-DNA position 114, C replaced by T.
Protein change: p.Leu38=; no amino-acid change (leucine 38 retained).
Molecular consequence: synonymous variant.
Genome position (GRCh38, 1-based): chr16:28,878,785, C>T. VCF-style: chr16-28878785-C-T. GRCh37 (hg19) VCF-style: chr16-28890106-C-T.
Other names: c.114C>T, p.Leu38= (NM_173201.5).
Identifiers: ClinVar variation 385830 (VCV000385830.1), dbSNP rs1057522341, ClinGen allele CA16607249.